The following is an entry in ClinVar:

NM_000038.6(APC):c.851_854del (p.Met284fs)

Gene: APC (APC regulator of Wnt signaling pathway; plus strand). Cytogenetic location: 5q22.2.
Variant type: Deletion.
Coding change: c.851_854del on transcript NM_000038.6 (MANE Select); coding-DNA positions 851 to 854, 4 bases deleted (TGGA; older notation c.851_854delTGGA).
Protein change: p.Met284fs; shifts the reading frame from methionine 284.
Molecular consequence: frameshift variant. On other transcripts: initiator codon variant (4), non-coding transcript variant (2).
Genome position (GRCh38, 1-based): chr5:112,815,511-112,815,514, TGGA deleted; deleting any 4 consecutive bases within chr5:112,815,510-112,815,514 gives the same sequence; the c. name uses the placement nearest the transcript's 3' end. VCF-style (leftmost placement, unchanged base first): chr5-112815509-AATGG-A. GRCh37 (hg19) VCF-style: chr5-112151206-AATGG-A.
Other names: c.851_854del, p.Met284fs (NM_001127510.3, NM_001354895.2, NM_001354896.2 and 12 more transcripts); c.797_800del, p.Met266fs (NM_001127511.3); c.881_884del, p.Met294fs (NM_001354897.2, NM_001354902.2, NM_001407446.1); c.776_779del, p.Met259fs (NM_001354898.2, NM_001354904.2, NM_001407451.1); c.767_770del, p.Met256fs (NM_001354899.2, NM_001407452.1, NM_001407467.1 and 1 more transcripts); c.674_677del, p.Met225fs (NM_001354900.2, NM_001354901.2, NM_001354905.2 and 1 more transcripts); c.2_5del, p.Met1fs (NM_001354906.2, NM_001407470.1, NM_001407471.1 and 1 more transcripts); short protein forms M1fs, M225fs, M256fs, M259fs, M266fs, M284fs, M294fs.
Identifiers: ClinVar variation 2583381 (VCV002583381.1), dbSNP rs2532965708, ClinGen allele CA2582341264.
Genomic context (GRCh38, chr5:112,815,509, plus strand): 5'-TACCTATAGTCTAAATTATACCATCTATAATGTGCTTAATTTTTAGGGTTCAACTACACG[AATGG>A]ACCATGAAACAGCCAGTGTTTTGAGTTCTAGTAGCACACACTCTGCACCTCGAAGGCTGA-3'

ClinVar aggregate classification (germline): Pathogenic (1 of 4 stars; one submission).

Conditions:
Familial adenomatous polyposis 1 (FAP1). Also called: POLYPOSIS, ADENOMATOUS INTESTINAL; FAMILIAL ADENOMATOUS POLYPOSIS 1, ATTENUATED. Identifiers: MedGen C2713442, MONDO:0021056, OMIM 175100. Disease mechanism: loss of function.

Submission:

Myriad Genetics, Inc.
Classification: Pathogenic for Familial adenomatous polyposis 1. Last evaluated: 2023-04-27. Review status: criteria provided, single submitter. Criteria: Myriad Autosomal Dominant, Autosomal Recessive and X-Linked Classification Criteria (2023). Collection method: clinical testing. Allele origin: unknown.
Comment: This variant is considered pathogenic. This variant creates a frameshift predicted to result in premature protein truncation.